The following is an entry in ClinVar:

ClinVar aggregate classification (germline): Uncertain significance (1 of 4 stars; one submission).

Conditions:
Familial thoracic aortic aneurysm and aortic dissection (TAAD). Also called: Thoracic aortic aneurysms and dissections. Identifiers: Orphanet 91387, MedGen C4707243, MONDO:0019625.
Hereditary cancer-predisposing syndrome. Also called: Hereditary Cancer Syndrome; Hereditary neoplastic syndrome; Neoplastic Syndromes, Hereditary; Tumor predisposition. Identifiers: Orphanet 140162, MedGen C0027672, MeSH D009386, MONDO:0015356.

Submission:

Ambry Genetics
Classification: Uncertain significance for Hereditary cancer-predisposing syndrome; Familial thoracic aortic aneurysm and aortic dissection. Last evaluated: 2022-10-17. Review status: criteria provided, single submitter. Criteria: Ambry Variant Classification Scheme 2023. Collection method: clinical testing. Allele origin: germline.
Comment: The p.S196R variant (also known as c.588C>G), located in coding exon 4 of the SMAD4 gene, results from a C to G substitution at nucleotide position 588. The serine at codon 196 is replaced by arginine, an amino acid with dissimilar properties. This amino acid position is conserved. In addition, the in silico prediction for this alteration is inconclusive. Since supporting evidence is limited at this time, the clinical significance of this alteration remains unclear.

NM_005359.6(SMAD4):c.588C>G (p.Ser196Arg)

Gene: SMAD4 (SMAD family member 4; plus strand). Cytogenetic location: 18q21.2.
Variant type: single nucleotide variant.
Coding change: c.588C>G on transcript NM_005359.6 (MANE Select); coding-DNA position 588, C replaced by G.
Protein change: p.Ser196Arg; replaces serine 196 with arginine.
Molecular consequence: missense variant.
Genome position (GRCh38, 1-based): chr18:51,054,914, C>G. VCF-style: chr18-51054914-C-G. GRCh37 (hg19) VCF-style: chr18-48581284-C-G.
Other names: c.588C>G, p.Ser196Arg (NM_001407041.1, NM_001407042.1, NM_001407043.1); short protein forms S196R.
Identifiers: ClinVar variation 1750299 (VCV001750299.2), dbSNP rs2144419060, ClinGen allele CA402461073.